The following is an entry in ClinVar:

NM_001710.6(CFB):c.1153A>C (p.Ile385Leu)

Gene: CFB (complement factor B; plus strand). Cytogenetic location: 6p21.33.
Variant type: single nucleotide variant.
Coding change: c.1153A>C on transcript NM_001710.6 (MANE Select); coding-DNA position 1153, A replaced by C.
Protein change: p.Ile385Leu; replaces isoleucine 385 with leucine.
Molecular consequence: missense variant.
Genome position (GRCh38, 1-based): chr6:31,948,946, A>C. VCF-style: chr6-31948946-A-C. GRCh37 (hg19) VCF-style: chr6-31916723-A-C.
Other names: short protein forms I385L.
Identifiers: ClinVar variation 1387431 (VCV001387431.8), dbSNP rs2151784591, ClinGen allele CA363400885.

ClinVar aggregate classification (germline): Uncertain significance (1 of 4 stars; one submission).

Submission:

Labcorp Genetics (formerly Invitae), Labcorp
Classification: Uncertain significance. Last evaluated: 2023-11-27. Review status: criteria provided, single submitter. Criteria: Invitae Variant Classification Sherloc (09022015). Collection method: clinical testing. Allele origin: germline.
Comment: This sequence change replaces isoleucine, which is neutral and non-polar, with leucine, which is neutral and non-polar, at codon 385 of the CFB protein (p.Ile385Leu). This variant is not present in population databases (gnomAD no frequency). This variant has not been reported in the literature in individuals affected with CFB-related conditions. ClinVar contains an entry for this variant (Variation ID: 1387431). Advanced modeling of protein sequence and biophysical properties (such as structural, functional, and spatial information, amino acid conservation, physicochemical variation, residue mobility, and thermodynamic stability) performed at Invitae indicates that this missense variant is not expected to disrupt CFB protein function with a negative predictive value of 80%. In summary, the available evidence is currently insufficient to determine the role of this variant in disease. Therefore, it has been classified as a Variant of Uncertain Significance.